The following is an entry in ClinVar:

NM_000228.3(LAMB3):c.2632C>T (p.Arg878Cys)

Gene: LAMB3 (laminin subunit beta 3; minus strand). Cytogenetic location: 1q32.2.
Variant type: single nucleotide variant.
Coding change: c.2632C>T on transcript NM_000228.3 (MANE Select); coding-DNA position 2632, C replaced by T.
Protein change: p.Arg878Cys; replaces arginine 878 with cysteine.
Molecular consequence: missense variant.
Genome position (GRCh38, 1-based): chr1:209,622,605, G>A on the plus strand (C>T on the coding strand, the complement: LAMB3 is on the minus strand). VCF-style: chr1-209622605-G-A. GRCh37 (hg19) VCF-style: chr1-209795950-G-A.
Other names: c.2632C>T, p.Arg878Cys (NM_001017402.2, NM_001127641.1); short protein forms R878C.
Identifiers: ClinVar variation 1050101 (VCV001050101.2), dbSNP rs199946321, ClinGen allele CA1375162.

ClinVar aggregate classification (germline): Uncertain significance. Review status: criteria provided, single submitter (1 of 4 stars). 2 submissions from 2 submitters: Uncertain significance (1). 1 of the submissions does not count toward it. Last evaluated 2021-07-30.

Conditions:
Junctional epidermolysis bullosa, non-Herlitz type. Also called: EPIDERMOLYSIS BULLOSA, JUNCTIONAL 1A, INTERMEDIATE; EPIDERMOLYSIS BULLOSA JUNCTIONALIS, DISENTIS TYPE; EPIDERMOLYSIS BULLOSA JUNCTIONALIS, NON-HERLITZ TYPE; EPIDERMOLYSIS BULLOSA JUNCTIONALIS, PROGRESSIVE; EPIDERMOLYSIS BULLOSA JUNCTIONALIS, SEVERE NONLETHAL; Adult junctional epidermolysis bullosa. Identifiers: Orphanet 251393, Orphanet 79402, Orphanet 79405, Orphanet 89840, MedGen C0268374, MONDO:0009180, OMIM 226650.
Junctional epidermolysis bullosa gravis of Herlitz. Also called: Epidermolysis Bullosa Letalis; EPIDERMOLYSIS BULLOSA, JUNCTIONAL 1B, SEVERE; EPIDERMOLYSIS BULLOSA JUNCTIONALIS, HERLITZ TYPE; EPIDERMOLYSIS BULLOSA, JUNCTIONAL, HERLITZ-PEARSON TYPE; JEB-HERLITZ TYPE; Herlitz-type junctional epidermolysis bullosa. Identifiers: Orphanet 79404, MedGen C0079683, MONDO:0009182, OMIM 226700.
Amelogenesis imperfecta type 1A. Also called: AMELOGENESIS IMPERFECTA, HYPOPLASTIC TYPE IA; Amelogenesis imperfecta local hypoplastic; Amelogenesis imperfecta, hypoplastic type; Amelogenesis imperfecta, type IA. Identifiers: Orphanet 88661, MedGen C4011403, MONDO:0007094, OMIM 104530.

Allele frequency attached by ClinVar (database versions not stated): gnomAD 0.00004; ExAC 0.00006; 1000 Genomes Project 30x 0.00016; 1000 Genomes Project 0.00020.
gnomAD v4.1: 92 of 1,614,140 alleles (0.0057%); highest among the groups gnomAD compares: Non-Finnish European, 0.0072%; no homozygotes.

Submissions (2):

Fulgent Genetics
Classification: Uncertain significance for Amelogenesis imperfecta type 1A; Junctional epidermolysis bullosa, non-Herlitz type; Junctional epidermolysis bullosa gravis of Herlitz. Last evaluated: 2021-07-30. Review status: criteria provided, single submitter. Criteria: ACMG Guidelines, 2015. Collection method: clinical testing. Allele origin: unknown.

Department of Pathology and Laboratory Medicine, Sinai Health System
Classification: Uncertain significance. Review status: no assertion criteria provided. Collection method: clinical testing. Allele origin: unknown. Affected: yes. Study: The Canadian Open Genetics Repository (COGR). Not counted in ClinVar's aggregate classification.
Comment: The LAMB3 p.R878C variant was reported in one individual with progressive multifocal leukoencephalopathy (van der Kolk_2016_PMID: 27042682). The variant was not reported in ClinVar, but it was identified in dbSNP (ID: rs199946321). The variant was identified in control databases in 11 of 251482 chromosomes at a frequency of 0.00004374 (Genome Aggregation Database March 6, 2019, v2.1.1). The p.R878 residue is conserved in mammals and computational analyses (MUT Assesor, PolyPhen-2, SIFT, MutationTaster, Revel, FATHMM, MetaLR, DANN) provide inconsistent predictions regarding the impact to the protein; this information is not very predictive of pathogenicity. The variant occurs outside of the splicing consensus sequence and in silico or computational prediction software programs (Splice AI exome) do not predict a difference in splicing. In summary, based on the above information the clinical significance of this variant cannot be determined with certainty at this time. This variant is classified as a variant of uncertain significance.